The following is an entry in ClinVar:

ClinVar aggregate classification (germline): Uncertain significance (1 of 4 stars; one submission).

Conditions:
Hereditary cancer-predisposing syndrome. Also called: Neoplastic Syndromes, Hereditary; Tumor predisposition; Hereditary Cancer Syndrome; Hereditary neoplastic syndrome. Identifiers: Orphanet 140162, MedGen C0027672, MeSH D009386, MONDO:0015356.

Submission:

Ambry Genetics
Classification: Uncertain significance for Hereditary cancer-predisposing syndrome. Last evaluated: 2026-02-23. Review status: criteria provided, single submitter. Criteria: Ambry Variant Classification Scheme 2023. Collection method: clinical testing. Allele origin: germline.
Comment: The p.A367P variant (also known as c.1099G>C), located in coding exon 7 of the CTNNA1 gene, results from a G to C substitution at nucleotide position 1099. The alanine at codon 367 is replaced by proline, an amino acid with highly similar properties. This amino acid position is conserved. In addition, this alteration is predicted to be deleterious by in silico analysis. Based on the available evidence, the clinical significance of this variant remains unclear.

NM_001903.5(CTNNA1):c.1099G>C (p.Ala367Pro)

Gene: CTNNA1 (catenin alpha 1; plus strand). Cytogenetic location: 5q31.2.
Variant type: single nucleotide variant.
Coding change: c.1099G>C on transcript NM_001903.5 (MANE Select); coding-DNA position 1099, G replaced by C.
Protein change: p.Ala367Pro; replaces alanine 367 with proline.
Molecular consequence: missense variant. On other transcripts: 5 prime UTR variant (26), intron variant (2).
Genome position (GRCh38, 1-based): chr5:138,886,248, G>C. VCF-style: chr5-138886248-G-C. GRCh37 (hg19) VCF-style: chr5-138221937-G-C.
Other names: c.1099G>C, p.Ala367Pro (NM_001290307.3, NM_001323982.2, NM_001323983.1 and 3 more transcripts); c.790G>C, p.Ala264Pro (NM_001290309.3); c.730G>C, p.Ala244Pro (NM_001290310.3); c.-12G>C (NM_001290312.1, NM_001323987.1, NM_001323988.1 and 18 more transcripts); c.-409G>C (NM_001324006.1, NM_001324007.1, NM_001324008.1 and 1 more transcripts); c.-284G>C (NM_001324013.1); c.-58+10651G>C (NM_001324012.1); c.-61+10651G>C (NM_001324010.1); short protein forms A264P, A244P, A367P.
Identifiers: ClinVar variation 4825918 (VCV004825918.1).